The following is an entry in ClinVar:

ClinVar aggregate classification (germline): Uncertain significance (1 of 4 stars; one submission).

Conditions:
Hereditary cancer-predisposing syndrome. Also called: Neoplastic Syndromes, Hereditary; Tumor predisposition; Hereditary neoplastic syndrome; Hereditary Cancer Syndrome. Identifiers: Orphanet 140162, MedGen C0027672, MeSH D009386, MONDO:0015356.

Submission:

Ambry Genetics
Classification: Uncertain significance for Hereditary cancer-predisposing syndrome. Last evaluated: 2026-08-28. Review status: criteria provided, single submitter. Criteria: Ambry Variant Classification Scheme 2023. Collection method: clinical testing. Allele origin: germline.
Comment: The c.986+4G>C intronic variant results from a G to C substitution 4 nucleotides after coding exon 7 in the SMARCB1 gene. This nucleotide position is well conserved in available vertebrate species. In silico splice site analysis predicts that this alteration will not have any significant effect on splicing. Based on the available evidence, the clinical significance of this variant remains unclear.

NM_003073.5(SMARCB1):c.986+4G>C

Gene: SMARCB1 (SWI/SNF related BAF chromatin remodeling complex subunit B1; plus strand). Cytogenetic location: 22q11.23.
Variant type: single nucleotide variant.
Coding change: c.986+4G>C on transcript NM_003073.5 (MANE Select); 4 bases into the intron after coding-DNA position 986, G replaced by C.
Molecular consequence: intron variant.
Genome position (GRCh38, 1-based): chr22:23,825,419, G>C. VCF-style: chr22-23825419-G-C. GRCh37 (hg19) VCF-style: chr22-24167606-G-C.
Other names: c.1040+4G>C (NM_001362877.2); c.1013+4G>C (NM_001317946.2); c.959+4G>C (NM_001007468.3).
Identifiers: ClinVar variation 5029916 (VCV005029916.1).